The following is an entry in ClinVar:

NM_152383.5(DIS3L2):c.1954A>G (p.Lys652Glu)

Gene: DIS3L2 (DIS3 like 3'-5' exoribonuclease 2; plus strand). Cytogenetic location: 2q37.1.
Variant type: single nucleotide variant.
Coding change: c.1954A>G on transcript NM_152383.5 (MANE Select); coding-DNA position 1954, A replaced by G.
Protein change: p.Lys652Glu; replaces lysine 652 with glutamic acid.
Molecular consequence: missense variant. On other transcripts: non-coding transcript variant (2), intron variant (1).
Genome position (GRCh38, 1-based): chr2:232,330,720, A>G. VCF-style: chr2-232330720-A-G. GRCh37 (hg19) VCF-style: chr2-233195430-A-G.
Other names: c.1582-12625A>G (NM_001257281.2); short protein forms K652E.
Identifiers: ClinVar variation 531907 (VCV000531907.11), dbSNP rs1553550922, ClinGen allele CA350976576.
Genomic context (GRCh38, chr2:232,330,720, plus strand): 5'-GTCACATAGGTTTCTGGGATTTGCTTCTAGAAAAGCCTGACCCAAACATTTGGAGATGAC[A>G]AGTACTCACTGGCCCGCAAGGAGGTGCTCACCAACATGTGCTCCCGGCCCATGCAGGTAA-3'
Protein context (NP_689596.4, residues 642-662): KSLTQTFGDD[Lys652Glu]YSLARKEVLT

ClinVar aggregate classification (germline): Uncertain significance (1 of 4 stars; one submission).

Conditions:
Perlman syndrome (PRLMNS). Identifiers: Orphanet 2849, MedGen C0796113, MONDO:0009965, OMIM 267000.

Allele frequency attached by ClinVar (database versions not stated): gnomAD exomes 0.00002.
gnomAD v4.1: 31 of 1,613,904 alleles (0.0019%); highest among the groups gnomAD compares: Non-Finnish European, 0.0025%; no homozygotes.

Submission:

Labcorp Genetics (formerly Invitae), Labcorp
Classification: Uncertain significance for Perlman syndrome. Last evaluated: 2023-07-30. Review status: criteria provided, single submitter. Criteria: Invitae Variant Classification Sherloc (09022015). Collection method: clinical testing. Allele origin: germline.
Comment: This sequence change replaces lysine, which is basic and polar, with glutamic acid, which is acidic and polar, at codon 652 of the DIS3L2 protein (p.Lys652Glu). This variant is not present in population databases (gnomAD no frequency). This variant has not been reported in the literature in individuals affected with DIS3L2-related conditions. ClinVar contains an entry for this variant (Variation ID: 531907). Advanced modeling of protein sequence and biophysical properties (such as structural, functional, and spatial information, amino acid conservation, physicochemical variation, residue mobility, and thermodynamic stability) performed at Invitae indicates that this missense variant is not expected to disrupt DIS3L2 protein function. In summary, the available evidence is currently insufficient to determine the role of this variant in disease. Therefore, it has been classified as a Variant of Uncertain Significance.